The following is an entry in ClinVar:

NM_005321.3(H1-4):c.482C>G (p.Pro161Arg)

Gene: H1-4 (H1.4 linker histone, cluster member; plus strand). Cytogenetic location: 6p22.2.
Variant type: single nucleotide variant.
Coding change: c.482C>G on transcript NM_005321.3 (MANE Select); coding-DNA position 482, C replaced by G.
Protein change: p.Pro161Arg; replaces proline 161 with arginine.
Molecular consequence: missense variant.
Genome position (GRCh38, 1-based): chr6:26,156,872, C>G. VCF-style: chr6-26156872-C-G. GRCh37 (hg19) VCF-style: chr6-26157100-C-G.
Other names: short protein forms P161R.
Identifiers: ClinVar variation 3907976 (VCV003907976.1).

ClinVar aggregate classification (germline): Uncertain significance (1 of 4 stars; one submission).

Submission:

GeneDx
Classification: Uncertain significance. Last evaluated: 2024-12-23. Review status: criteria provided, single submitter. Criteria: GeneDx Variant Classification Process June 2021. Collection method: clinical testing. Allele origin: germline. Affected: yes.
Comment: Not observed at significant frequency in large population cohorts (gnomAD); In silico analysis supports that this missense variant has a deleterious effect on protein structure/function; Has not been previously published as pathogenic or benign to our knowledge.